The following is an entry in ClinVar:

ClinVar aggregate classification (germline): Uncertain significance (1 of 4 stars; one submission).

Allele frequency attached by ClinVar (database versions not stated): gnomAD exomes below 0.00001.
gnomAD v4.1: 3 of 1,613,940 alleles (0.00019%); highest among the groups gnomAD compares: Non-Finnish European, 0.00025%; no homozygotes.

Submission:

GeneDx
Classification: Uncertain significance. Last evaluated: 2023-01-10. Review status: criteria provided, single submitter. Criteria: GeneDx Variant Classification Process June 2021. Collection method: clinical testing. Allele origin: germline. Affected: yes.
Comment: Not observed at significant frequency in large population cohorts (gnomAD); In silico analysis supports that this missense variant does not alter protein structure/function; Has not been previously published as pathogenic or benign to our knowledge

NM_001083962.2(TCF4):c.935G>A (p.Ser312Asn)

Gene: TCF4 (transcription factor 4; minus strand). Cytogenetic location: 18q21.2.
Variant type: single nucleotide variant.
Coding change: c.935G>A on transcript NM_001083962.2 (MANE Select); coding-DNA position 935, G replaced by A.
Protein change: p.Ser312Asn; replaces serine 312 with asparagine.
Molecular consequence: missense variant.
Genome position (GRCh38, 1-based): chr18:55,261,521, C>T on the plus strand (G>A on the coding strand, the complement: TCF4 is on the minus strand). VCF-style: chr18-55261521-C-T. GRCh37 (hg19) VCF-style: chr18-52928752-C-T.
Other names: c.1241G>A, p.Ser414Asn (NM_001243226.3); c.863G>A, p.Ser288Asn (NM_001243227.2, NM_001306207.1, NM_001348217.1 and 9 more transcripts); c.953G>A, p.Ser318Asn (NM_001243228.2); c.929G>A, p.Ser310Asn (NM_001243230.2); c.809G>A, p.Ser270Asn (NM_001243231.2, NM_001348211.2); c.722G>A, p.Ser241Asn (NM_001243232.1, NM_001306208.1); c.545G>A, p.Ser182Asn (NM_001243233.2, NM_001330605.3, NM_001348212.2 and 1 more transcripts); c.455G>A, p.Ser152Asn (NM_001243234.2, NM_001243235.2, NM_001243236.2 and 2 more transcripts); and 4 more; short protein forms S152N, S182N, S241N, S270N, S287N, S288N, S310N, S311N.
Identifiers: ClinVar variation 2571940 (VCV002571940.1), dbSNP rs2512295831, ClinGen allele CA402535247.